The following is an entry in ClinVar:

ClinVar aggregate classification (germline): Uncertain significance (1 of 4 stars; one submission).

Conditions:
Developmental and epileptic encephalopathy, 31A. Also called: Epileptic encephalopathy, early infantile, 31; Developmental and epileptic encephalopathy, 31. Identifiers: Orphanet 2382, MedGen C4225357, MONDO:0014598, OMIM 616346.

Submission:

Labcorp Genetics (formerly Invitae), Labcorp
Classification: Uncertain significance for Developmental and epileptic encephalopathy, 31A. Last evaluated: 2023-08-07. Review status: criteria provided, single submitter. Criteria: Invitae Variant Classification Sherloc (09022015). Collection method: clinical testing. Allele origin: germline.
Comment: This sequence change replaces leucine, which is neutral and non-polar, with arginine, which is basic and polar, at codon 227 of the DNM1 protein (p.Leu227Arg). This variant is not present in population databases (gnomAD no frequency). This variant has not been reported in the literature in individuals affected with DNM1-related conditions. Advanced modeling of protein sequence and biophysical properties (such as structural, functional, and spatial information, amino acid conservation, physicochemical variation, residue mobility, and thermodynamic stability) performed at Invitae indicates that this missense variant is expected to disrupt DNM1 protein function. In summary, the available evidence is currently insufficient to determine the role of this variant in disease. Therefore, it has been classified as a Variant of Uncertain Significance.

NM_004408.4(DNM1):c.680T>G (p.Leu227Arg)

Gene: DNM1 (dynamin 1; plus strand). Cytogenetic location: 9q34.11.
Variant type: single nucleotide variant.
Coding change: c.680T>G on transcript NM_004408.4 (MANE Select); coding-DNA position 680, T replaced by G.
Protein change: p.Leu227Arg; replaces leucine 227 with arginine.
Molecular consequence: missense variant.
Genome position (GRCh38, 1-based): chr9:128,220,078, T>G. VCF-style: chr9-128220078-T-G. GRCh37 (hg19) VCF-style: chr9-130982357-T-G.
Other names: c.680T>G, p.Leu227Arg (NM_001005336.3, NM_001288737.2, NM_001288738.2 and 2 more transcripts); short protein forms L227R.
Identifiers: ClinVar variation 2797778 (VCV002797778.3), dbSNP rs2538984231, ClinGen allele CA375012725.